The following is an entry in ClinVar:

NM_198129.4(LAMA3):c.5113-3C>G

Gene: LAMA3 (laminin subunit alpha 3; plus strand). Cytogenetic location: 18q11.2.
Variant type: single nucleotide variant.
Coding change: c.5113-3C>G on transcript NM_198129.4 (MANE Select); 3 bases into the intron before coding-DNA position 5113, C replaced by G.
Molecular consequence: intron variant.
Genome position (GRCh38, 1-based): chr18:23,881,933, C>G. VCF-style: chr18-23881933-C-G. GRCh37 (hg19) VCF-style: chr18-21461897-C-G.
Other names: c.5113-3C>G (NM_001127717.4); c.286-3C>G (NM_000227.6, NM_001127718.4).
Identifiers: ClinVar variation 3364468 (VCV003364468.3).

ClinVar aggregate classification (germline): Conflicting classifications of pathogenicity. Review status: criteria provided, conflicting classifications (1 of 4 stars). 2 submissions from 2 submitters: Likely pathogenic (1); Uncertain significance (1). Last evaluated 2025-12-29.

Submissions (2):

GeneDx
Classification: Likely pathogenic. Last evaluated: 2025-12-29. Review status: criteria provided, single submitter. Criteria: GeneDx Variant Classification Process June 2021. Collection method: clinical testing. Allele origin: germline.
Comment: RNA studies demonstrate a damaging effect leading to exon skipping (External communication with another laboratory); In silico analysis supports a deleterious effect on splicing; Not observed at significant frequency in large population cohorts (gnomAD); Has not been previously published as pathogenic or benign to our knowledge

Labcorp Genetics (formerly Invitae), Labcorp
Classification: Uncertain significance. Last evaluated: 2025-12-10. Review status: criteria provided, single submitter. Criteria: Invitae Variant Classification Sherloc (09022015). Collection method: clinical testing. Allele origin: germline.
Comment: This sequence change falls in intron 2 of the LAMA3 gene. It does not directly change the encoded amino acid sequence of the LAMA3 protein. It affects a nucleotide within the consensus splice site. This variant is not present in population databases (gnomAD no frequency). This variant has not been reported in the literature in individuals affected with LAMA3-related conditions. ClinVar contains an entry for this variant (Variation ID: 3364468). Variants that disrupt the consensus splice site are a relatively common cause of aberrant splicing (PMID: 17576681, 9536098). Algorithms developed to predict the effect of sequence changes on RNA splicing suggest that this variant may disrupt the consensus splice site. In summary, the available evidence is currently insufficient to determine the role of this variant in disease. Therefore, it has been classified as a Variant of Uncertain Significance.

Literature cited by the submitters: PubMed 17576681 (cited by Labcorp Genetics (formerly Invitae), Labcorp); PubMed 9536098 (cited by Labcorp Genetics (formerly Invitae), Labcorp).